The following is an entry in ClinVar:

ClinVar aggregate classification (germline): Pathogenic (1 of 4 stars; one submission).

Submission:

GeneDx
Classification: Pathogenic. Last evaluated: 2017-05-30. Review status: criteria provided, single submitter. Criteria: GeneDx Variant Classification (06012015). Collection method: clinical testing. Allele origin: germline. Affected: yes.
Comment: The c.648dupC pathogenic variant in the JAG1 gene causes a frameshift starting with codon Asparagine 217, changes this amino acid to a Glutamine residue and creates a premature Stop codon at position 14 of the new reading frame, denoted p.Asn217GlnfsX14. This pathogenic variant is predicted to cause loss of normal protein function either through protein truncation or nonsense-mediated mRNA decay. The c.648dupC variant is not observed in large population cohorts (Lek et al., 2016; 1000 Genomes Consortium et al., 2015; Exome Variant Server). Although this pathogenic variant has not been previously reported to our knowledge, its presence is consistent with the diagnosis of Alagille syndrome.

NM_000214.3(JAG1):c.648dup (p.Asn217fs)

Gene: JAG1 (jagged canonical Notch ligand 1; minus strand). Cytogenetic location: 20p12.2.
Variant type: Duplication.
Coding change: c.648dup on transcript NM_000214.3 (MANE Select); coding-DNA position 648, one base duplicated (C; older notation c.648dupC).
Protein change: p.Asn217fs; shifts the reading frame from asparagine 217.
Molecular consequence: frameshift variant.
Genome position (GRCh38, 1-based): chr20:10,658,514, G duplicated on the plus strand (C on the coding strand, the reverse complement: JAG1 is on the minus strand). VCF-style (leftmost placement, unchanged base first): chr20-10658513-T-TG. GRCh37 (hg19) VCF-style: chr20-10639161-T-TG.
Other names: c.648dup, p.Asn217fs (LRG_1191t1); c.648dupC (NM_000214.2); short protein forms N217fs.
Identifiers: ClinVar variation 430436 (VCV000430436.2), dbSNP rs1131691963, ClinGen allele CA645369803.
Genomic context (GRCh38, chr20:10,658,513, plus strand): 5'-CACACACACACATACCTCTGTTACATTCGGGGCCCATCCAGCCTTCCATGCAAGTTTTGT[T>TG]GCCATTCTGGTCACAGGCATAGTGTCCAAAGAAGTCATCTCTGGGGCGGCAGAACTTATT-3'